The following is an entry in ClinVar:

ClinVar aggregate classification (germline): Uncertain significance (1 of 4 stars; one submission).

Submission:

GeneDx
Classification: Uncertain significance. Last evaluated: 2026-03-10. Review status: criteria provided, single submitter. Criteria: GeneDx Variant Classification Process June 2021. Collection method: clinical testing. Allele origin: germline.
Comment: Not observed at significant frequency in large population cohorts (gnomAD); In silico analysis supports that this missense variant has a deleterious effect on protein structure/function; Has not been previously published as pathogenic or benign to our knowledge

NM_004958.4(MTOR):c.5345A>T (p.His1782Leu)

Gene: MTOR (mechanistic target of rapamycin kinase; minus strand). Cytogenetic location: 1p36.22.
Variant type: single nucleotide variant.
Coding change: c.5345A>T on transcript NM_004958.4 (MANE Select); coding-DNA position 5345, A replaced by T.
Protein change: p.His1782Leu; replaces histidine 1782 with leucine.
Molecular consequence: missense variant.
Genome position (GRCh38, 1-based): chr1:11,133,099, T>A on the plus strand (A>T on the coding strand, the complement: MTOR is on the minus strand). VCF-style: chr1-11133099-T-A. GRCh37 (hg19) VCF-style: chr1-11193156-T-A.
Other names: c.5345A>T, p.His1782Leu (NM_001386500.1); c.4097A>T, p.His1366Leu (NM_001386501.1); short protein forms H1366L, H1782L.
Identifiers: ClinVar variation 5008665 (VCV005008665.1).